The following is an entry in ClinVar:

ClinVar aggregate classification (germline): Pathogenic (1 of 4 stars; one submission).

Conditions:
Pyruvate dehydrogenase E3 deficiency (DLDD). Also called: Lipoamide dehydrogenase deficiency, lactic acidosis due to; Lipoamide dehydrogenase deficiency; Dihydrolipoamide Dehydrogenase Deficiency; MAPLE SYRUP URINE DISEASE, TYPE III; Dihydrolipoamide Dehydrogenase (E3) Deficiency; DLD DEFICIENCY. Identifiers: Orphanet 2394, Orphanet 765, MedGen C5574660, MONDO:0009529, OMIM 246900.

Submission:

Myriad Genetics, Inc.
Classification: Pathogenic for Pyruvate dehydrogenase E3 deficiency. Last evaluated: 2023-09-27. Review status: criteria provided, single submitter. Criteria: Myriad Autosomal Dominant, Autosomal Recessive and X-Linked Classification Criteria (2023). Collection method: clinical testing. Allele origin: unknown.
Comment: NM_000108.3(DLD):c.18dupT(V7Cfs*35) is expected to be pathogenic in the context of dihydrolipoamide dehydrogenase deficiency. This variant is predicted to lead to an abnormal or absent protein product due to the creation of a premature termination codon in DLD, a gene where loss-of-function variants are known to be pathogenic. Please note: this variant was assessed in the context of healthy population screening.

NM_000108.5(DLD):c.18dup (p.Val7fs)

Gene: DLD (dihydrolipoamide dehydrogenase; plus strand). Cytogenetic location: 7q31.1.
Variant type: Duplication.
Coding change: c.18dup on transcript NM_000108.5 (MANE Select); coding-DNA position 18, one base duplicated (T; older notation c.18dupT).
Protein change: p.Val7fs; shifts the reading frame from valine 7.
Molecular consequence: frameshift variant. On other transcripts: 5 prime UTR variant (1).
Genome position (GRCh38, 1-based): chr7:107,891,268, T duplicated. VCF-style (leftmost placement, unchanged base first): chr7-107891267-G-GT. GRCh37 (hg19) VCF-style: chr7-107531712-G-GT.
Other names: c.-131dup (NM_001289750.1); c.18dup, p.Val7fs (NM_001289751.1, NM_001289752.1); short protein forms V7fs.
Identifiers: ClinVar variation 5012228 (VCV005012228.1).